The following is an entry in ClinVar:

ClinVar aggregate classification (germline): Uncertain significance (1 of 4 stars; one submission).

Conditions:
Hereditary cancer-predisposing syndrome. Also called: Neoplastic Syndromes, Hereditary; Tumor predisposition; Hereditary neoplastic syndrome; Hereditary Cancer Syndrome. Identifiers: Orphanet 140162, MedGen C0027672, MeSH D009386, MONDO:0015356.

Submission:

Ambry Genetics
Classification: Uncertain significance for Hereditary cancer-predisposing syndrome. Last evaluated: 2024-04-28. Review status: criteria provided, single submitter. Criteria: Ambry Variant Classification Scheme 2023. Collection method: clinical testing. Allele origin: germline.
Comment: The p.E691K variant (also known as c.2071G>A), located in coding exon 19 of the POLE gene, results from a G to A substitution at nucleotide position 2071. The glutamic acid at codon 691 is replaced by lysine, an amino acid with similar properties. This amino acid position is conserved. In addition, the in silico prediction for this alteration is inconclusive. Based on the available evidence, the clinical significance of this variant remains unclear.

NM_006231.4(POLE):c.2071G>A (p.Glu691Lys)

Gene: POLE (DNA polymerase epsilon, catalytic subunit; minus strand). Cytogenetic location: 12q24.33.
Variant type: single nucleotide variant.
Coding change: c.2071G>A on transcript NM_006231.4 (MANE Select); coding-DNA position 2071, G replaced by A.
Protein change: p.Glu691Lys; replaces glutamic acid 691 with lysine.
Molecular consequence: missense variant.
Genome position (GRCh38, 1-based): chr12:132,668,458, C>T on the plus strand (G>A on the coding strand, the complement: POLE is on the minus strand). VCF-style: chr12-132668458-C-T. GRCh37 (hg19) VCF-style: chr12-133245044-C-T.
Other names: short protein forms E691K.
Identifiers: ClinVar variation 3308396 (VCV003308396.1).